The following is an entry in ClinVar:

ClinVar aggregate classification (germline): Uncertain significance (1 of 4 stars; one submission).

Conditions:
Primary ciliary dyskinesia. Also called: Ciliary dyskinesia. Identifiers: Orphanet 244, MedGen C0008780, MONDO:0016575, HP:0012265.

Submission:

Labcorp Genetics (formerly Invitae), Labcorp
Classification: Uncertain significance for Primary ciliary dyskinesia. Last evaluated: 2018-06-14. Review status: criteria provided, single submitter. Criteria: Invitae Variant Classification Sherloc (09022015). Collection method: clinical testing. Allele origin: germline.
Comment: This sequence change falls in intron 5 of the DNAAF5 gene. It does not directly change the encoded amino acid sequence of the DNAAF5 protein, but it affects a nucleotide within the consensus splice site of the intron. This variant is not present in population databases (ExAC no frequency). This variant has not been reported in the literature in individuals with DNAAF5-related disease. Nucleotide substitutions within the consensus splice site are a relatively common cause of aberrant splicing (PMID: 17576681, 9536098). Algorithms developed to predict the effect of sequence changes on RNA splicing suggest that this variant is not likely to affect RNA splicing, but this prediction has not been confirmed by published transcriptional studies. In summary, the available evidence is currently insufficient to determine the role of this variant in disease. Therefore, it has been classified as a Variant of Uncertain Significance.

Literature cited by the submitters: PubMed 17576681; PubMed 9536098.

NM_017802.4(DNAAF5):c.1258-3C>T

Gene: DNAAF5 (dynein axonemal assembly factor 5; plus strand). Cytogenetic location: 7p22.3.
Variant type: single nucleotide variant.
Coding change: c.1258-3C>T on transcript NM_017802.4 (MANE Select); 3 bases into the intron before coding-DNA position 1258, C replaced by T.
Molecular consequence: intron variant.
Genome position (GRCh38, 1-based): chr7:756,779, C>T. VCF-style: chr7-756779-C-T. GRCh37 (hg19) VCF-style: chr7-796416-C-T.
Identifiers: ClinVar variation 581445 (VCV000581445.9), dbSNP rs1562388213, ClinGen allele CA891843374.